The following is an entry in ClinVar:

NM_003803.4(MYOM1):c.1571A>T (p.Asp524Val)

Gene: MYOM1 (myomesin 1; minus strand). Cytogenetic location: 18p11.31.
Variant type: single nucleotide variant.
Coding change: c.1571A>T on transcript NM_003803.4 (MANE Select); coding-DNA position 1571, A replaced by T.
Protein change: p.Asp524Val; replaces aspartic acid 524 with valine.
Molecular consequence: missense variant.
Genome position (GRCh38, 1-based): chr18:3,155,019, T>A on the plus strand (A>T on the coding strand, the complement: MYOM1 is on the minus strand). VCF-style: chr18-3155019-T-A. GRCh37 (hg19) VCF-style: chr18-3155017-T-A.
Other names: c.1571A>T, p.Asp524Val (NM_019856.2); short protein forms D524V.
Identifiers: ClinVar variation 1896882 (VCV001896882.5), dbSNP rs924081617, ClinGen allele CA295532886.

ClinVar aggregate classification (germline): Uncertain significance (1 of 4 stars; one submission).

Conditions:
Hypertrophic cardiomyopathy. Also called: HYPERTROPHIC MYOCARDIOPATHY. Identifiers: Orphanet 217569, MedGen C0007194, MeSH D002312, MONDO:0005045, HP:0001639.

gnomAD v4.1: 12 of 1,613,508 alleles (0.00074%); highest among the groups gnomAD compares: Middle Eastern, 0.12%; no homozygotes.

Submission:

Labcorp Genetics (formerly Invitae), Labcorp
Classification: Uncertain significance for Hypertrophic cardiomyopathy. Last evaluated: 2024-10-30. Review status: criteria provided, single submitter. Criteria: Invitae Variant Classification Sherloc (09022015). Collection method: clinical testing. Allele origin: germline.
Comment: This sequence change replaces aspartic acid, which is acidic and polar, with valine, which is neutral and non-polar, at codon 524 of the MYOM1 protein (p.Asp524Val). This variant is present in population databases (no rsID available, gnomAD 0.0009%). This variant has not been reported in the literature in individuals affected with MYOM1-related conditions. ClinVar contains an entry for this variant (Variation ID: 1896882). Invitae Evidence Modeling of protein sequence and biophysical properties (such as structural, functional, and spatial information, amino acid conservation, physicochemical variation, residue mobility, and thermodynamic stability) indicates that this missense variant is expected to disrupt MYOM1 protein function with a positive predictive value of 80%. In summary, the available evidence is currently insufficient to determine the role of this variant in disease. Therefore, it has been classified as a Variant of Uncertain Significance.